The following is an entry in ClinVar:

NM_014727.3(KMT2B):c.2300A>G (p.Gln767Arg)

Gene: KMT2B (lysine methyltransferase 2B; plus strand). Cytogenetic location: 19q13.12.
Variant type: single nucleotide variant.
Coding change: c.2300A>G on transcript NM_014727.3 (MANE Select); coding-DNA position 2300, A replaced by G.
Protein change: p.Gln767Arg; replaces glutamine 767 with arginine.
Molecular consequence: missense variant.
Genome position (GRCh38, 1-based): chr19:35,721,647, A>G. VCF-style: chr19-35721647-A-G. GRCh37 (hg19) VCF-style: chr19-36212549-A-G.
Other names: c.2300A>G (NM_014727.2); short protein forms Q767R.
Identifiers: ClinVar variation 2753516 (VCV002753516.4), dbSNP rs368773193, ClinGen allele CA9384402.

ClinVar aggregate classification (germline): Benign/Likely benign. Review status: criteria provided, multiple submitters, no conflicts (2 of 4 stars). 2 submissions from 2 submitters: Benign (1); Likely benign (1). Last evaluated 2026-01-26.

Conditions:
KMT2B-related disorder. Also called: KMT2B-related condition; KMT2B-related disorders. Identifiers: MedGen CN381338.

Allele frequency attached by ClinVar (database versions not stated): gnomAD exomes 0.00002; gnomAD 0.00007; ExAC 0.00008; 1000 Genomes Project 30x 0.00016; 1000 Genomes Project 0.00020.
gnomAD v4.1: 43 of 1,613,162 alleles (0.0027%); highest among the groups gnomAD compares: East Asian, 0.076%; no homozygotes.

Submissions (2):

Labcorp Genetics (formerly Invitae), Labcorp
Classification: Benign. Last evaluated: 2026-01-26. Review status: criteria provided, single submitter. Criteria: Invitae Variant Classification Sherloc (09022015). Collection method: clinical testing. Allele origin: germline.

PreventionGenetics, part of Exact Sciences
Classification: Likely benign for KMT2B-related condition. Last evaluated: 2025-07-21. Review status: criteria provided, single submitter. Criteria: ACMG Guidelines, 2015. Collection method: clinical testing. Allele origin: germline.
Comment: This variant is classified as likely benign based on ACMG/AMP sequence variant interpretation guidelines (Richards et al. 2015 PMID: 25741868, with internal and published modifications).